The following is an entry in ClinVar:

NM_006662.3(SRCAP):c.3097T>C (p.Ser1033Pro)

Gene: SRCAP (Snf2 related CREBBP activator protein; plus strand). Cytogenetic location: 16p11.2.
Variant type: single nucleotide variant.
Coding change: c.3097T>C on transcript NM_006662.3 (MANE Select); coding-DNA position 3097, T replaced by C.
Protein change: p.Ser1033Pro; replaces serine 1033 with proline.
Molecular consequence: missense variant.
Genome position (GRCh38, 1-based): chr16:30,720,822, T>C. VCF-style: chr16-30720822-T-C. GRCh37 (hg19) VCF-style: chr16-30732143-T-C.
Other names: short protein forms S1033P.
Identifiers: ClinVar variation 318872 (VCV000318872.23), dbSNP rs202000509, ClinGen allele CA8011406.

ClinVar aggregate classification (germline): Benign/Likely benign. Review status: criteria provided, multiple submitters, no conflicts (2 of 4 stars). 6 submissions from 6 submitters: Benign (1); Likely benign (5). Last evaluated 2026-05-13.

Conditions:
Floating-Harbor syndrome (FLHS). Also called: SRCAP-Related Floating-Harbor Syndrome; Short stature with delayed bone age, expressive language delay, a triangular face with a prominent nose and deep-set eyes; Pelletier-Leisti syndrome. Identifiers: Orphanet 2044, MedGen C0729582, MONDO:0007621, OMIM 136140.
Developmental delay, hypotonia, musculoskeletal defects, and behavioral abnormalities. Identifiers: MedGen C5562012, MONDO:0859202, OMIM 619595.

Allele frequency attached by ClinVar (database versions not stated): gnomAD exomes 0.00025 and 0.00108; ExAC 0.00075; gnomAD 0.00120 and 0.00121; TOPMed 0.00226; 1000 Genomes Project 0.00260; 1000 Genomes Project 30x 0.00281.
gnomAD v4.1: 572 of 1,614,106 alleles (0.035%); highest among the groups gnomAD compares: Admixed American, 0.86%; 6 homozygotes.

Submissions (6):

Women's Health and Genetics/Laboratory Corporation of America, LabCorp
Classification: Likely benign. Last evaluated: 2026-05-13. Review status: criteria provided, single submitter. Criteria: LabCorp Variant Classification Summary - May 2015. Collection method: clinical testing. Allele origin: germline.

CeGaT Center for Human Genetics Tuebingen
Classification: Likely benign. Last evaluated: 2026-05-01. Review status: criteria provided, single submitter. Criteria: CeGaT Center For Human Genetics Tuebingen Variant Classification Criteria Version 2. Collection method: clinical testing. Allele origin: germline. Affected: yes. Observed: 4 variant alleles.
Comment: SRCAP: BS1

Labcorp Genetics (formerly Invitae), Labcorp
Classification: Benign. Last evaluated: 2026-01-05. Review status: criteria provided, single submitter. Criteria: Invitae Variant Classification Sherloc (09022015). Collection method: clinical testing. Allele origin: germline.

Blueprint Genetics
Classification: Likely benign. Last evaluated: 2024-01-26. Review status: criteria provided, single submitter. Criteria: ACMG Guidelines, 2015. Collection method: clinical testing. Allele origin: germline.

Fulgent Genetics
Classification: Likely benign for Floating-Harbor syndrome; Developmental delay, hypotonia, musculoskeletal defects, and behavioral abnormalities. Last evaluated: 2021-07-19. Review status: criteria provided, single submitter. Criteria: ACMG Guidelines, 2015. Collection method: clinical testing. Allele origin: unknown.

Eurofins Ntd Llc (ga)
Classification: Likely benign. Last evaluated: 2017-03-24. Review status: criteria provided, single submitter. Criteria: EGL Classification Definitions 2015. Collection method: clinical testing. Allele origin: germline. Observed: 1 variant allele, 1 heterozygote.